The following is an entry in ClinVar:

NM_001283009.2(RTEL1):c.2895G>C (p.Glu965Asp)

Genes: RTEL1 (regulator of telomere elongation helicase 1; plus strand), RTEL1-TNFRSF6B (RTEL1-TNFRSF6B readthrough (NMD candidate); plus strand). Cytogenetic location: 20q13.33.
Variant type: single nucleotide variant.
Coding change: c.2895G>C on transcript NM_001283009.2 (MANE Select); coding-DNA position 2895, G replaced by C.
Protein change: p.Glu965Asp; replaces glutamic acid 965 with aspartic acid.
Molecular consequence: missense variant. On other transcripts: non-coding transcript variant (1).
Genome position (GRCh38, 1-based): chr20:63,693,186, G>C. VCF-style: chr20-63693186-G-C. GRCh37 (hg19) VCF-style: chr20-62324539-G-C.
Other names: c.2226G>C, p.Glu742Asp (NM_001283010.1); c.2895G>C, p.Glu965Asp (NM_016434.4); c.2967G>C, p.Glu989Asp (NM_032957.5); short protein forms E742D, E965D, E989D.
Identifiers: ClinVar variation 1000169 (VCV001000169.13), dbSNP rs745327960, ClinGen allele CA9965645.

ClinVar aggregate classification (germline): Uncertain significance (1 of 4 stars; one submission).

Conditions:
Dyskeratosis congenita, autosomal recessive 5 (DKCB5). Identifiers: MedGen C3554656, MONDO:0014076, OMIM 615190.
Pulmonary fibrosis and/or bone marrow failure, Telomere-related, 3. Also called: PULMONARY FIBROSIS AND/OR BONE MARROW FAILURE SYNDROME, TELOMERE-RELATED, 3. Identifiers: Orphanet 2032, MedGen C4225346, MONDO:0014613, OMIM 616373.

Allele frequency attached by ClinVar (database versions not stated): gnomAD exomes below 0.00001; ExAC 0.00001.
gnomAD v4.1: 4 of 1,612,184 alleles (0.00025%); highest among the groups gnomAD compares: South Asian, 0.0011%; no homozygotes.

Submission:

Labcorp Genetics (formerly Invitae), Labcorp
Classification: Uncertain significance for Dyskeratosis congenita, autosomal recessive 5; Pulmonary fibrosis and/or bone marrow failure, Telomere-related, 3. Last evaluated: 2020-03-11. Review status: criteria provided, single submitter. Criteria: Invitae Variant Classification Sherloc (09022015). Collection method: clinical testing. Allele origin: germline.
Comment: This sequence change replaces glutamic acid with aspartic acid at codon 965 of the RTEL1 protein (p.Glu965Asp). The glutamic acid residue is weakly conserved and there is a small physicochemical difference between glutamic acid and aspartic acid. This variant is present in population databases (rs745327960, ExAC 0.006%). This variant has not been reported in the literature in individuals with RTEL1-related conditions. Algorithms developed to predict the effect of missense changes on protein structure and function (SIFT, PolyPhen-2, Align-GVGD) all suggest that this variant is likely to be tolerated, but these predictions have not been confirmed by published functional studies and their clinical significance is uncertain. In summary, the available evidence is currently insufficient to determine the role of this variant in disease. Therefore, it has been classified as a Variant of Uncertain Significance.